The following is an entry in ClinVar:

NM_001184.4(ATR):c.4334G>C (p.Arg1445Thr)

Gene: ATR (ATR checkpoint kinase; minus strand). Cytogenetic location: 3q23.
Variant type: single nucleotide variant.
Coding change: c.4334G>C on transcript NM_001184.4 (MANE Select); coding-DNA position 4334, G replaced by C.
Protein change: p.Arg1445Thr; replaces arginine 1445 with threonine.
Molecular consequence: missense variant.
Genome position (GRCh38, 1-based): chr3:142,519,717, C>G on the plus strand (G>C on the coding strand, the complement: ATR is on the minus strand). VCF-style: chr3-142519717-C-G. GRCh37 (hg19) VCF-style: chr3-142238559-C-G.
Other names: c.4142G>C, p.Arg1381Thr (NM_001354579.2); short protein forms R1445T, R1381T.
Identifiers: ClinVar variation 1739807 (VCV001739807.2), dbSNP rs2473244967, ClinGen allele CA354800233.

ClinVar aggregate classification (germline): Uncertain significance (1 of 4 stars; one submission).

Conditions:
Inborn genetic diseases. Identifiers: MedGen C0950123, MeSH D030342.

Allele frequency attached by ClinVar (database versions not stated): gnomAD exomes below 0.00001.
gnomAD v4.1: 1 of 1,614,128 alleles (0.000062%); highest among the groups gnomAD compares: Non-Finnish European, 0.000085%; no homozygotes.

Submission:

Ambry Genetics
Classification: Uncertain significance for Inborn genetic diseases. Last evaluated: 2022-08-22. Review status: criteria provided, single submitter. Criteria: Ambry Variant Classification Scheme 2023. Collection method: clinical testing. Allele origin: germline.
Comment: The p.R1445T variant (also known as c.4334G>C), located in coding exon 24 of the ATR gene, results from a G to C substitution at nucleotide position 4334. The arginine at codon 1445 is replaced by threonine, an amino acid with similar properties. This amino acid position is conserved. In addition, this alteration is predicted to be tolerated by in silico analysis. Since supporting evidence is limited at this time, the clinical significance of this alteration remains unclear.